The following is an entry in ClinVar:

NM_005068.3(SIM1):c.1043C>T (p.Ser348Leu)

Genes: SIM1 (SIM bHLH transcription factor 1; minus strand), SIM1-AS1 (SIM1 antisense RNA 1; plus strand). Cytogenetic location: 6q16.3.
Variant type: single nucleotide variant.
Coding change: c.1043C>T on transcript NM_005068.3 (MANE Select); coding-DNA position 1043, C replaced by T.
Protein change: p.Ser348Leu; replaces serine 348 with leucine.
Molecular consequence: missense variant.
Genome position (GRCh38, 1-based): chr6:100,420,914, G>A on the plus strand (C>T on the coding strand, the complement: SIM1 is on the minus strand). VCF-style: chr6-100420914-G-A. GRCh37 (hg19) VCF-style: chr6-100868790-G-A.
Other names: c.1043C>T, p.Ser348Leu (NM_001374769.1); short protein forms S348L.
Identifiers: ClinVar variation 3351516 (VCV003351516.2).

ClinVar aggregate classification (germline): Uncertain significance. Review status: criteria provided, single submitter (1 of 4 stars). 2 submissions from 2 submitters: Uncertain significance (1). 1 of the submissions does not count toward it. Last evaluated 2025-11-26.

Conditions:
SIM1-related disorder. Also called: SIM1-related condition; SIM1-related disorders.
Inborn genetic diseases. Identifiers: MedGen C0950123, MeSH D030342.

Submissions (2):

Ambry Genetics
Classification: Uncertain significance for Inborn genetic diseases. Last evaluated: 2025-11-26. Review status: criteria provided, single submitter. Criteria: Ambry Variant Classification Scheme 2023. Collection method: clinical testing. Allele origin: germline.

PreventionGenetics, part of Exact Sciences
Classification: Uncertain significance for SIM1-related condition. Last evaluated: 2024-02-15. Review status: no assertion criteria provided. Collection method: clinical testing. Allele origin: germline. Not counted in ClinVar's aggregate classification.
Comment: The SIM1 c.1043C>T variant is predicted to result in the amino acid substitution p.Ser348Leu. To our knowledge, this variant has not been reported in the literature. This variant is reported in 0.0040% of alleles in individuals of African descent in gnomAD. At this time, the clinical significance of this variant is uncertain due to the absence of conclusive functional and genetic evidence.